The following is an entry in ClinVar:

NM_003922.4(HERC1):c.4643T>C (p.Met1548Thr)

Gene: HERC1 (HECT and RLD domain containing E3 ubiquitin protein ligase family member 1; minus strand). Cytogenetic location: 15q22.31.
Variant type: single nucleotide variant.
Coding change: c.4643T>C on transcript NM_003922.4 (MANE Select); coding-DNA position 4643, T replaced by C.
Protein change: p.Met1548Thr; replaces methionine 1548 with threonine.
Molecular consequence: missense variant.
Genome position (GRCh38, 1-based): chr15:63,698,990, A>G on the plus strand (T>C on the coding strand, the complement: HERC1 is on the minus strand). VCF-style: chr15-63698990-A-G. GRCh37 (hg19) VCF-style: chr15-63991189-A-G.
Other names: short protein forms M1548T.
Identifiers: ClinVar variation 2384632 (VCV002384632.4), dbSNP rs755381283, ClinGen allele CA7605729.

ClinVar aggregate classification (germline): Conflicting classifications of pathogenicity. Review status: criteria provided, conflicting classifications (1 of 4 stars). 3 submissions from 3 submitters: Uncertain significance (2); Likely benign (1). Last evaluated 2026-03-26.

Conditions:
Inborn genetic diseases. Identifiers: MedGen C0950123, MeSH D030342.
Macrocephaly, dysmorphic facies, and psychomotor retardation (MDFPMR). Identifiers: Orphanet 457359, MedGen C4310766, MONDO:0014863, OMIM 617011.

Allele frequency attached by ClinVar (database versions not stated): gnomAD exomes 0.00001; ExAC 0.00004; TOPMed 0.00005; gnomAD 0.00001.

Submissions (3):

GeneDx
Classification: Uncertain significance. Last evaluated: 2026-03-26. Review status: criteria provided, single submitter. Criteria: GeneDx Variant Classification Process June 2021. Collection method: clinical testing. Allele origin: germline.
Comment: In silico analysis suggests that this missense variant does not alter protein structure/function; Has not been previously published as pathogenic or benign to our knowledge

3billion
Classification: Likely benign for Macrocephaly, dysmorphic facies, and psychomotor retardation. Last evaluated: 2024-09-20. Review status: criteria provided, single submitter. Criteria: ACMG Guidelines, 2015. Collection method: clinical testing. Allele origin: germline. Affected: no.
Comment: The homozygous variant was found in patients diagnosed with another variant in a different gene, with no symptoms related to the gene containing the homozygous variant.

Ambry Genetics
Classification: Uncertain significance for Inborn genetic diseases. Last evaluated: 2022-01-27. Review status: criteria provided, single submitter. Criteria: Ambry Variant Classification Scheme 2023. Collection method: clinical testing. Allele origin: germline.